The following is an entry in ClinVar:

ClinVar aggregate classification (germline): Uncertain significance (1 of 4 stars; one submission).

Allele frequency attached by ClinVar (database versions not stated): gnomAD 0.00001; gnomAD exomes 0.00001; ESP Exome Variant Server 0.00008.
gnomAD v4.1: 1 of 1,614,082 alleles (0.000062%); highest among the groups gnomAD compares: Non-Finnish European, 0.000085%; no homozygotes.

Submission:

Labcorp Genetics (formerly Invitae), Labcorp
Classification: Uncertain significance. Last evaluated: 2022-06-10. Review status: criteria provided, single submitter. Criteria: Invitae Variant Classification Sherloc (09022015). Collection method: clinical testing. Allele origin: germline.
Comment: In summary, the available evidence is currently insufficient to determine the role of this variant in disease. Therefore, it has been classified as a Variant of Uncertain Significance. Algorithms developed to predict the effect of missense changes on protein structure and function (SIFT, PolyPhen-2, Align-GVGD) all suggest that this variant is likely to be tolerated. This variant has not been reported in the literature in individuals affected with STN1-related conditions. This variant is present in population databases (rs145933230, gnomAD 0.0009%). This sequence change replaces asparagine, which is neutral and polar, with serine, which is neutral and polar, at codon 219 of the STN1 protein (p.Asn219Ser).

NM_024928.5(STN1):c.656A>G (p.Asn219Ser)

Gene: STN1 (STN1 subunit of CST complex; minus strand). Cytogenetic location: 10q24.33.
Variant type: single nucleotide variant.
Coding change: c.656A>G on transcript NM_024928.5 (MANE Select); coding-DNA position 656, A replaced by G.
Protein change: p.Asn219Ser; replaces asparagine 219 with serine.
Molecular consequence: missense variant.
Genome position (GRCh38, 1-based): chr10:103,897,645, T>C on the plus strand (A>G on the coding strand, the complement: STN1 is on the minus strand). VCF-style: chr10-103897645-T-C. GRCh37 (hg19) VCF-style: chr10-105657403-T-C.
Other names: short protein forms N219S.
Identifiers: ClinVar variation 1394288 (VCV001394288.6), dbSNP rs145933230, ClinGen allele CA212421682.